The following is an entry in ClinVar:

NM_001290060.2(SEMA3B):c.1404G>T (p.Arg468Ser)

Gene: SEMA3B (semaphorin 3B; plus strand). Cytogenetic location: 3p21.31.
Variant type: single nucleotide variant.
Coding change: c.1404G>T on transcript NM_001290060.2 (MANE Select); coding-DNA position 1404, G replaced by T.
Protein change: p.Arg468Ser; replaces arginine 468 with serine.
Molecular consequence: missense variant. On other transcripts: non-coding transcript variant (1).
Genome position (GRCh38, 1-based): chr3:50,274,889, G>T. VCF-style: chr3-50274889-G-T. GRCh37 (hg19) VCF-style: chr3-50312320-G-T.
Other names: c.1401G>T, p.Arg467Ser (NM_001005914.3, NM_001435957.1, NM_001435958.1); c.1419G>T, p.Arg473Ser (NM_001290061.1); c.375G>T, p.Arg125Ser (NM_001290062.2, NM_001290063.2); c.1404G>T, p.Arg468Ser (NM_001435956.1, NM_004636.4); short protein forms R125S, R473S, R468S, R467S.
Identifiers: ClinVar variation 4996297 (VCV004996297.1).
Genomic context (GRCh38, chr3:50,274,889, plus strand): 5'-TCTCATCCCTGCAGACGTTGGCACGGTGCTGAAGGTGATCTCGGTCCCCAAGGGCAGTAG[G>T]CCCAGCGCAGAGGGGCTGCTCCTGGAGGAGCTGCACGTGTTTGAGGTGAGGCCTCACCCC-3'
Protein context (NP_001276989.1, residues 458-478): LKVISVPKGS[Arg468Ser]PSAEGLLLEE

ClinVar aggregate classification (germline): Uncertain significance (1 of 4 stars; one submission).

Conditions:
SEMA3B-related disorder. Also called: SEMA3B-related condition.

Submission:

PreventionGenetics, part of Exact Sciences
Classification: Uncertain significance for SEMA3B-related condition. Last evaluated: 2025-08-15. Review status: criteria provided, single submitter. Criteria: ACMG Guidelines, 2015. Collection method: clinical testing. Allele origin: germline.
Comment: The SEMA3B c.1419G>T variant is predicted to result in the amino acid substitution p.Arg473Ser. To our knowledge, this variant has not been reported in the literature or in a large population database (gnomAD), indicating this variant is rare. At this time, the clinical significance of this variant is uncertain due to the absence of conclusive functional and genetic evidence.